The following is an entry in ClinVar:

ClinVar aggregate classification (germline): Uncertain significance (1 of 4 stars; one submission).

Allele frequency attached by ClinVar (database versions not stated): TOPMed below 0.00001; ExAC 0.00001; gnomAD 0.00001; gnomAD exomes 0.00001.
gnomAD v4.1: 4 of 1,613,460 alleles (0.00025%); highest among the groups gnomAD compares: Admixed American, 0.005%; no homozygotes.

Submission:

GeneDx
Classification: Uncertain significance. Last evaluated: 2019-12-26. Review status: criteria provided, single submitter. Criteria: GeneDx Variant Classification Process June 2021. Collection method: clinical testing. Allele origin: germline. Affected: yes.
Comment: In silico analysis, which includes protein predictors and evolutionary conservation, supports that this variant does not alter protein structure/function; Has not been previously published as pathogenic or benign to our knowledge

NM_001020658.2(PUM1):c.1847C>T (p.Thr616Ile)

Gene: PUM1 (pumilio RNA binding family member 1; minus strand). Cytogenetic location: 1p35.2.
Variant type: single nucleotide variant.
Coding change: c.1847C>T on transcript NM_001020658.2 (MANE Select); coding-DNA position 1847, C replaced by T.
Protein change: p.Thr616Ile; replaces threonine 616 with isoleucine.
Molecular consequence: missense variant.
Genome position (GRCh38, 1-based): chr1:30,966,221, G>A on the plus strand (C>T on the coding strand, the complement: PUM1 is on the minus strand). VCF-style: chr1-30966221-G-A. GRCh37 (hg19) VCF-style: chr1-31439068-G-A.
Other names: c.1847C>T, p.Thr616Ile (NM_014676.3); short protein forms T616I.
Identifiers: ClinVar variation 1311489 (VCV001311489.2), dbSNP rs774998119, ClinGen allele CA729087.